The following is an entry in ClinVar:

NM_000081.4(LYST):c.9806A>C (p.Asp3269Ala)

Gene: LYST (lysosomal trafficking regulator; minus strand). Cytogenetic location: 1q42.3.
Variant type: single nucleotide variant.
Coding change: c.9806A>C on transcript NM_000081.4 (MANE Select); coding-DNA position 9806, A replaced by C.
Protein change: p.Asp3269Ala; replaces aspartic acid 3269 with alanine.
Molecular consequence: missense variant.
Genome position (GRCh38, 1-based): chr1:235,712,176, T>G on the plus strand (A>C on the coding strand, the complement: LYST is on the minus strand). VCF-style: chr1-235712176-T-G. GRCh37 (hg19) VCF-style: chr1-235875476-T-G.
Other names: c.9806A>C, p.Asp3269Ala (NM_001301365.1); short protein forms D3269A.
Identifiers: ClinVar variation 1388619 (VCV001388619.3), dbSNP rs1332458411, ClinGen allele CA344937881.

ClinVar aggregate classification (germline): Uncertain significance (1 of 4 stars; one submission).

Conditions:
Chédiak-Higashi syndrome (CHS). Also called: Chediak-Higashi Syndrome. Identifiers: Orphanet 167, MedGen C0007965, MONDO:0008963, OMIM 214500.

Allele frequency attached by ClinVar (database versions not stated): gnomAD 0.00001.
gnomAD v4.1: 5 of 1,584,460 alleles (0.00032%); highest among the groups gnomAD compares: Non-Finnish European, 0.00043%; no homozygotes.

Submission:

Labcorp Genetics (formerly Invitae), Labcorp
Classification: Uncertain significance for Chédiak-Higashi syndrome. Last evaluated: 2022-08-08. Review status: criteria provided, single submitter. Criteria: Invitae Variant Classification Sherloc (09022015). Collection method: clinical testing. Allele origin: germline.
Comment: This sequence change replaces aspartic acid, which is acidic and polar, with alanine, which is neutral and non-polar, at codon 3269 of the LYST protein (p.Asp3269Ala). This variant is present in population databases (no rsID available, gnomAD 0.007%). This variant has not been reported in the literature in individuals affected with LYST-related conditions. ClinVar contains an entry for this variant (Variation ID: 1388619). Algorithms developed to predict the effect of missense changes on protein structure and function are either unavailable or do not agree on the potential impact of this missense change (SIFT: "Deleterious"; PolyPhen-2: "Probably Damaging"; Align-GVGD: "Class C0"). In summary, the available evidence is currently insufficient to determine the role of this variant in disease. Therefore, it has been classified as a Variant of Uncertain Significance.